The following is an entry in ClinVar:

ClinVar aggregate classification (germline): Likely benign. Review status: criteria provided, multiple submitters, no conflicts (2 of 4 stars). 5 submissions from 5 submitters: Likely benign (4). 1 of the submissions does not count toward it. Last evaluated 2025-01-16.

Conditions:
PKD1-related disorder. Also called: PKD1-related condition.
Polycystic kidney disease, adult type (PKD1). Also called: POLYCYSTIC KIDNEY DISEASE, ADULT, TYPE I; Polycystic Kidney Disease 1, Autosomal Dominant; Polycystic kidney disease 1; Polycystic kidney disease 1, severe; Polycystic Kidney, Autosomal Dominant; POLYCYSTIC KIDNEY DISEASE 1 WITH OR WITHOUT POLYCYSTIC LIVER DISEASE. Identifiers: MedGen C3149841, MONDO:0008263, OMIM 173900.

Allele frequency attached by ClinVar (database versions not stated): ESP Exome Variant Server 0.00008; gnomAD 0.00035 and 0.00046; TOPMed 0.00059; 1000 Genomes Project 0.00160; 1000 Genomes Project 30x 0.00187.

Submissions (5):

Department of Pathology and Laboratory Medicine, Sinai Health System
Classification: Likely benign for Polycystic kidney disease, adult type. Last evaluated: 2025-01-16. Review status: criteria provided, single submitter. Criteria: ACMG Guidelines, 2015. Collection method: clinical testing. Allele origin: germline.

Blueprint Genetics
Classification: Likely benign. Last evaluated: 2024-06-13. Review status: criteria provided, single submitter. Criteria: ACMG Guidelines, 2015. Collection method: clinical testing. Allele origin: germline.

Fulgent Genetics
Classification: Likely benign for Polycystic kidney disease, adult type. Last evaluated: 2021-10-01. Review status: criteria provided, single submitter. Criteria: ACMG Guidelines, 2015. Collection method: clinical testing. Allele origin: unknown.

ARUP Laboratories, Molecular Genetics and Genomics, ARUP Laboratories
Classification: Likely benign. Last evaluated: 2017-03-15. Review status: criteria provided, single submitter. Criteria: ARUP Molecular Germline Variant Investigation Process. Collection method: clinical testing. Allele origin: germline.

PreventionGenetics, part of Exact Sciences
Classification: Likely benign for PKD1-related condition. Last evaluated: 2022-07-14. Review status: no assertion criteria provided. Collection method: clinical testing. Allele origin: germline. Not counted in ClinVar's aggregate classification.
Comment: This variant is classified as likely benign based on ACMG/AMP sequence variant interpretation guidelines (Richards et al. 2015 PMID: 25741868, with internal and published modifications).

NM_001009944.3(PKD1):c.4810G>A (p.Val1604Met)

Gene: PKD1 (polycystin 1, transient receptor potential channel interacting; minus strand). Cytogenetic location: 16p13.3.
Variant type: single nucleotide variant.
Coding change: c.4810G>A on transcript NM_001009944.3 (MANE Select); coding-DNA position 4810, G replaced by A.
Protein change: p.Val1604Met; replaces valine 1604 with methionine.
Molecular consequence: missense variant.
Genome position (GRCh38, 1-based): chr16:2,110,357, C>T on the plus strand (G>A on the coding strand, the complement: PKD1 is on the minus strand). VCF-style: chr16-2110357-C-T. GRCh37 (hg19) VCF-style: chr16-2160358-C-T.
Other names: c.4810G>A (NM_001009944.2); c.4810G>A, p.Val1604Met (NM_000296.4); short protein forms V1604M.
Identifiers: ClinVar variation 440132 (VCV000440132.13), dbSNP rs191685707, ClinGen allele CA7832240.
Genomic context (GRCh38, chr16:2,110,357, plus strand): 5'-TGCTGTCCTGGGCGGAGCCCACCTCGTTCTCAGCCGTGACGATGATATTGAAGGTGCCCA[C>T]GGAGCGGAAGGTGTAAGAGATGGTAGGACCCCCAGGGATGGGCGTGCAGCGGTCACAGAG-3'
Protein context (NP_001009944.3, residues 1594-1614): GPTISYTFRS[Val1604Met]GTFNIIVTAE